The following is an entry in ClinVar:

ClinVar aggregate classification (germline): Uncertain significance. Review status: criteria provided, multiple submitters, no conflicts (2 of 4 stars). 5 submissions from 3 submitters: Uncertain significance (5). Last evaluated 2023-04-11.

Conditions:
Cardiovascular phenotype. Identifiers: MedGen CN230736.
Cardiomyopathy, familial restrictive, 3. Identifiers: Orphanet 75249, MedGen C2676271, MONDO:0012900, OMIM 612422.
Hypertrophic cardiomyopathy 2. Also called: TNNT2-Related Familial Hypertrophic Cardiomyopathy. Identifiers: MedGen C1861864, MONDO:0007266, OMIM 115195.
Dilated cardiomyopathy 1D. Identifiers: Orphanet 154, Orphanet 54260, MedGen C1832243, MONDO:0011095, OMIM 601494.

Submissions (5):

Genome-Nilou Lab
Classification: Uncertain significance for Dilated cardiomyopathy 1D. Last evaluated: 2023-04-11. Review status: criteria provided, single submitter. Criteria: ACMG Guidelines, 2015. Collection method: clinical testing. Allele origin: germline. Affected: no.

Genome-Nilou Lab
Classification: Uncertain significance for Cardiomyopathy, familial restrictive, 3. Last evaluated: 2023-04-11. Review status: criteria provided, single submitter. Criteria: ACMG Guidelines, 2015. Collection method: clinical testing. Allele origin: germline. Affected: no.

Genome-Nilou Lab
Classification: Uncertain significance for Hypertrophic cardiomyopathy 2. Last evaluated: 2023-04-11. Review status: criteria provided, single submitter. Criteria: ACMG Guidelines, 2015. Collection method: clinical testing. Allele origin: germline. Affected: no.

Victorian Clinical Genetics Services, Murdoch Childrens Research Institute
Classification: Uncertain significance for Hypertrophic cardiomyopathy 2. Last evaluated: 2022-02-02. Review status: criteria provided, single submitter. Criteria: ACMG Guidelines, 2015. Collection method: clinical testing. Allele origin: germline. Inheritance: Autosomal dominant inheritance. Affected: yes.
Comment: Based on the classification scheme VCGS_Germline_v1.3.4, this variant is classified as VUS-3A. Following criteria are met: 0105 - The mechanism of disease for this gene is not clearly established. Functional studies have suggested loss-of-function, gain-of-function and dominant-negative mechanisms based on calcium sensitivity, contractibility and mouse models (PMID: 18612386, 32098556, 33025817). (I) 0107 - This gene is associated with autosomal dominant disease. (I) 0115 - Variants in this gene are known to have variable expressivity. p.(Arg92Gln) has been described in families which has both DCM and HCM (PMID: 26507537). (I) 0200 - Variant is predicted to result in a missense amino acid change from isoleucine to valine. (I) 0251 - This variant is heterozygous. (I) 0301 - Variant is absent from gnomAD (both v2 and v3). (SP) 0502 - Missense variant with conflicting in silico predictions and uninformative conservation. (I) 0604 - Variant is not located in an established domain, motif, hotspot or informative constraint region. (I) 0708 - Other missense variants comparable to the one identified in this case have limited previous evidence for pathogenicity. The p.(Ile100Asn) variant has been reported as a VUS in an individual with hypertrophic cardiomyopathy (HCM; PMID: 27532257). Another variant p.(Ile100Met) has been reported as a VUS in ClinVar, and has been shown to segregate with HCM in a large family, however several unaffected individuals were heterozygous for the variant (PMID: 19061534). (I) 0807 - This variant has no previous evidence of pathogenicity. (I) 0905 - No published segregation evidence has been identified for this variant. (I) 1007 - No published functional evidence has been identified for this variant. (I) 1208 - Inheritance information for this variant is not currently available in this individual. (I) Legend: (SP) - Supporting pathogenic, (I) - Information, (SB) - Supporting benign

Ambry Genetics
Classification: Uncertain significance for Cardiovascular phenotype. Last evaluated: 2021-09-07. Review status: criteria provided, single submitter. Criteria: Ambry Variant Classification Scheme 2023. Collection method: clinical testing. Allele origin: germline.
Comment: The p.I90V variant (also known as c.268A>G), located in coding exon 8 of the TNNT2 gene, results from an A to G substitution at nucleotide position 268. The isoleucine at codon 90 is replaced by valine, an amino acid with highly similar properties. This amino acid position is conserved. In addition, this alteration is predicted to be deleterious by in silico analysis. Since supporting evidence is limited at this time, the clinical significance of this alteration remains unclear.

Literature cited by the submitters: PubMed 18612386 (cited by Victorian Clinical Genetics Services, Murdoch Childrens Research Institute); PubMed 19061534 (cited by Victorian Clinical Genetics Services, Murdoch Childrens Research Institute and Ambry Genetics); PubMed 26507537 (cited by Victorian Clinical Genetics Services, Murdoch Childrens Research Institute); PubMed 27532257 (cited by Victorian Clinical Genetics Services, Murdoch Childrens Research Institute); PubMed 32098556 (cited by Victorian Clinical Genetics Services, Murdoch Childrens Research Institute); PubMed 33025817 (cited by Victorian Clinical Genetics Services, Murdoch Childrens Research Institute).

NM_001276345.2(TNNT2):c.298A>G (p.Ile100Val)

Gene: TNNT2 (troponin T2, cardiac type; minus strand). Cytogenetic location: 1q32.1.
Variant type: single nucleotide variant.
Coding change: c.298A>G on transcript NM_001276345.2 (MANE Select); coding-DNA position 298, A replaced by G.
Protein change: p.Ile100Val; replaces isoleucine 100 with valine.
Molecular consequence: missense variant. On other transcripts: intron variant (1).
Genome position (GRCh38, 1-based): chr1:201,365,304, T>C on the plus strand (A>G on the coding strand, the complement: TNNT2 is on the minus strand). VCF-style: chr1-201365304-T-C. GRCh37 (hg19) VCF-style: chr1-201334432-T-C.
Other names: c.298A>G, p.Ile100Val (NM_000364.4, NM_001406723.1); c.268A>G, p.Ile90Val (NM_001001430.3, NM_001001431.3, NM_001276347.2 and 3 more transcripts); c.253A>G, p.Ile85Val (NM_001001432.3, NM_001406728.1); c.265A>G, p.Ile89Val (NM_001406725.1); c.291+306A>G (NM_001276346.2); short protein forms I90V, I100V, I85V, I89V.
Identifiers: ClinVar variation 1794769 (VCV001794769.4), dbSNP rs2527017574, ClinGen allele CA027495.